The following is an entry in ClinVar:

NM_001270974.2(HYDIN):c.13467C>T (p.Val4489=)

Gene: HYDIN (HYDIN axonemal central pair apparatus protein; minus strand). Cytogenetic location: 16q22.2.
Variant type: single nucleotide variant.
Coding change: c.13467C>T on transcript NM_001270974.2 (MANE Select); coding-DNA position 13467, C replaced by T.
Protein change: p.Val4489=; no amino-acid change (valine 4489 retained).
Molecular consequence: synonymous variant.
Genome position (GRCh38, 1-based): chr16:70,834,099, G>A on the plus strand (C>T on the coding strand, the complement: HYDIN is on the minus strand). VCF-style: chr16-70834099-G-A. GRCh37 (hg19) VCF-style: chr16-70868002-G-A.
Identifiers: ClinVar variation 4872198 (VCV004872198.3).

ClinVar aggregate classification (germline): Likely benign. Review status: criteria provided, multiple submitters, no conflicts (2 of 4 stars). 2 submissions from 2 submitters: Likely benign (2). Last evaluated 2026-06-01.

gnomAD v4.1: 242 of 1,611,876 alleles (0.015%); highest among the groups gnomAD compares: Admixed American, 0.11%; no homozygotes.

Submissions (2):

CeGaT Center for Human Genetics Tuebingen
Classification: Likely benign. Last evaluated: 2026-06-01. Review status: criteria provided, single submitter. Criteria: CeGaT Center For Human Genetics Tuebingen Variant Classification Criteria Version 2. Collection method: clinical testing. Allele origin: germline. Affected: yes. Observed: 1 variant allele.
Comment: HYDIN: BP4, BP7

Blueprint Genetics
Classification: Likely benign. Last evaluated: 2024-10-23. Review status: criteria provided, single submitter. Criteria: ACMG Guidelines, 2015. Collection method: clinical testing. Allele origin: germline.